The following is an entry in ClinVar:

NM_000135.4(FANCA):c.4108G>C (p.Ala1370Pro)

Genes: FANCA (FA complementation group A; minus strand), ZNF276 (zinc finger protein 276; plus strand). Cytogenetic location: 16q24.3.
Variant type: single nucleotide variant.
Coding change: c.4108G>C on transcript NM_000135.4 (MANE Select); coding-DNA position 4108, G replaced by C.
Protein change: p.Ala1370Pro; replaces alanine 1370 with proline.
Molecular consequence: missense variant. On other transcripts: 3 prime UTR variant (2), non-coding transcript variant (4).
Genome position (GRCh38, 1-based): chr16:89,739,192, C>G on the plus strand (G>C on the coding strand, the complement: FANCA is on the minus strand). VCF-style: chr16-89739192-C-G. GRCh37 (hg19) VCF-style: chr16-89805600-C-G.
Other names: c.4108G>C, p.Ala1370Pro (NM_001286167.3); c.*946C>G (NM_001113525.2, NM_152287.4); short protein forms A1370P.
Identifiers: ClinVar variation 4870902 (VCV004870902.1).
Genomic context (GRCh38, chr16:89,739,192, plus strand): 5'-CCTGACCCTTGAGCTCCAGGCTCCTGCCAGCTGGAGGTGAAACTGTGCTTGTATCCCCAG[C>G]CACGAAGAGCTGGACCAGCTTCAAGTACATGTCCACAGCAACATGCAGGAAGGCCTCTTC-3'
Protein context (NP_000126.2, residues 1360-1380): MYLKLVQLFV[Ala1370Pro]GDTSTVSPPA

ClinVar aggregate classification (germline): Uncertain significance (1 of 4 stars; one submission).

Conditions:
Inborn genetic diseases. Identifiers: MedGen C0950123, MeSH D030342.

Submission:

Ambry Genetics
Classification: Uncertain significance for Inborn genetic diseases. Last evaluated: 2026-06-03. Review status: criteria provided, single submitter. Criteria: Ambry Variant Classification Scheme 2023. Collection method: clinical testing. Allele origin: germline.
Comment: The p.A1370P variant (also known as c.4108G>C), located in coding exon 41 of the FANCA gene, results from a G to C substitution at nucleotide position 4108. The alanine at codon 1370 is replaced by proline, an amino acid with highly similar properties. This amino acid position is conserved. In addition, the in silico prediction for this alteration is inconclusive. Based on the available evidence, the clinical significance of this variant remains unclear.